The following is an entry in ClinVar:

ClinVar aggregate classification (germline): Pathogenic (1 of 4 stars; one submission).

Conditions:
Familial thoracic aortic aneurysm and aortic dissection (TAAD). Also called: Thoracic aortic aneurysms and dissections. Identifiers: Orphanet 91387, MedGen C4707243, MONDO:0019625.
Marfan syndrome (MFS). Also called: Marfan syndrome type 1; Marfan's syndrome; Marfan syndrome, classic; MARFAN SYNDROME, TYPE I; FBN1-Related Marfan Syndrome. Identifiers: Orphanet 284963, Orphanet 558, MedGen C0024796, MONDO:0007947, OMIM 154700.

Submission:

Labcorp Genetics (formerly Invitae), Labcorp
Classification: Pathogenic for Marfan syndrome; Familial thoracic aortic aneurysm and aortic dissection. Last evaluated: 2020-08-24. Review status: criteria provided, single submitter. Criteria: Invitae Variant Classification Sherloc (09022015). Collection method: clinical testing. Allele origin: germline.
Comment: This variant disrupts the C-terminus of the FBN1 protein. Other variant(s) that disrupt this region (p.Glu2746*) have been determined to be pathogenic (Invitae). This suggests that variants that disrupt this region of the protein are likely to be causative of disease. This sequence change results in a premature translational stop signal in the FBN1 gene (p.Asp2706Glufs*46). While this is not anticipated to result in nonsense mediated decay, it is expected to disrupt the last 166 amino acids of the FBN1 protein. This variant is not present in population databases (ExAC no frequency). This variant has not been reported in the literature in individuals with FBN1-related conditions. For these reasons, this variant has been classified as Pathogenic.

NM_000138.5(FBN1):c.8118del (p.Asp2706fs)

Gene: FBN1 (fibrillin 1; minus strand). Cytogenetic location: 15q21.1.
Variant type: Deletion.
Coding change: c.8118del on transcript NM_000138.5 (MANE Select); coding-DNA position 8118, one base deleted (T; older notation c.8118delT).
Protein change: p.Asp2706fs; shifts the reading frame from aspartic acid 2706.
Molecular consequence: frameshift variant.
Genome position (GRCh38, 1-based): chr15:48,412,677, A deleted on the plus strand (T on the coding strand, the reverse complement: FBN1 is on the minus strand). VCF-style (leftmost placement, unchanged base first): chr15-48412676-CA-C. GRCh37 (hg19) VCF-style: chr15-48704873-CA-C.
Other names: short protein forms D2706fs.
Identifiers: ClinVar variation 1069308 (VCV001069308.9), dbSNP rs2141211729, ClinGen allele CA2499222957.